The following is an entry in ClinVar:

NM_006767.4(LZTR1):c.1258C>T (p.Gln420Ter)

Gene: LZTR1 (leucine zipper like post translational regulator 1; plus strand). Cytogenetic location: 22q11.21.
Variant type: single nucleotide variant.
Coding change: c.1258C>T on transcript NM_006767.4 (MANE Select); coding-DNA position 1258, C replaced by T.
Protein change: p.Gln420Ter; replaces glutamine 420 with a stop codon.
Molecular consequence: nonsense.
Genome position (GRCh38, 1-based): chr22:20,992,902, C>T. VCF-style: chr22-20992902-C-T. GRCh37 (hg19) VCF-style: chr22-21347191-C-T.
Other names: short protein forms Q420*.
Identifiers: ClinVar variation 1324690 (VCV001324690.4), dbSNP rs2147966067, ClinGen allele CA410774168.

ClinVar aggregate classification (germline): Pathogenic (1 of 4 stars; one submission).

Conditions:
Hereditary cancer-predisposing syndrome. Also called: Hereditary Cancer Syndrome; Tumor predisposition; Neoplastic Syndromes, Hereditary; Hereditary neoplastic syndrome. Identifiers: Orphanet 140162, MedGen C0027672, MeSH D009386, MONDO:0015356.
Cardiovascular phenotype. Identifiers: MedGen CN230736.

Submission:

Ambry Genetics
Classification: Pathogenic for Cardiovascular phenotype; Hereditary cancer-predisposing syndrome. Last evaluated: 2021-09-12. Review status: criteria provided, single submitter. Criteria: Ambry Variant Classification Scheme 2023. Collection method: clinical testing. Allele origin: germline.
Comment: The p.Q420* pathogenic mutation (also known as c.1258C>T), located in coding exon 11 of the LZTR1 gene, results from a C to T substitution at nucleotide position 1258. This changes the amino acid from a glutamine to a stop codon within coding exon 11. This alteration is expected to result in loss of function by premature protein truncation or nonsense-mediated mRNA decay. Loss-of-function variants in LZTR1 are related to an increased risk for schwannomas and autosomal recessive Noonan syndrome; however, such associations with autosomal dominant Noonan syndrome have not been observed (Piotrowski A et al. Nat Genet. 2014 Feb;46:182-7; Yamamoto GL et al. J Med Genet. 2015 Jun;52:413-21; Johnston JJ et al. Genet Med. 2018 10;20:1175-1185). Based on the supporting evidence, this variant is pathogenic for an increased risk of LZTR1-related schwannomatosis (SWN) and would be expected to cause autosomal recessive Noonan syndrome when present along with a second pathogenic or likely pathogenic variant on the other allele; however, the association of this alteration with autosomal dominant Noonan syndrome is unlikely.